The following is an entry in ClinVar:

NM_172107.4(KCNQ2):c.912C>T (p.Phe304=)

Gene: KCNQ2 (potassium voltage-gated channel subfamily Q member 2; minus strand). Cytogenetic location: 20q13.33.
Variant type: single nucleotide variant.
Coding change: c.912C>T on transcript NM_172107.4 (MANE Select); coding-DNA position 912, C replaced by T.
Protein change: p.Phe304=; no amino-acid change (phenylalanine 304 retained).
Molecular consequence: synonymous variant.
Genome position (GRCh38, 1-based): chr20:63,439,613, G>A on the plus strand (C>T on the coding strand, the complement: KCNQ2 is on the minus strand). VCF-style: chr20-63439613-G-A. GRCh37 (hg19) VCF-style: chr20-62070966-G-A.
Other names: p.Phe304=; c.912C>T, p.Phe304= (NM_004518.6, NM_172106.3, NM_172108.5 and 1 more transcripts).
Identifiers: ClinVar variation 129345 (VCV000129345.31), dbSNP rs2297385, ClinGen allele CA153295.

ClinVar aggregate classification (germline): Benign. Review status: criteria provided, multiple submitters, no conflicts (2 of 4 stars). 11 submissions from 11 submitters: Benign (9). 2 of the submissions do not count toward it. Last evaluated 2026-02-03.

Conditions:
Inborn genetic diseases. Identifiers: MedGen C0950123, MeSH D030342.
Early-infantile DEE. Also called: Early infantile epileptic encephalopathy with suppression bursts; Early infantile epileptic encephalopathy; Ohtahara syndrome. Identifiers: Orphanet 1934, MedGen C0393706, MONDO:0800491.

Allele frequency attached by ClinVar (database versions not stated): ESP Exome Variant Server 0.05175; gnomAD 0.07323 and 0.08153; TOPMed 0.08292; gnomAD exomes 0.08399 and 0.12005; ExAC 0.11462; 1000 Genomes Project 30x 0.16240; 1000 Genomes Project 0.16793.
gnomAD v4.1: 135,893 of 1,612,774 alleles (8.4%); highest among the groups gnomAD compares: East Asian, 45%; 9,799 homozygotes.

Submissions (11):

Labcorp Genetics (formerly Invitae), Labcorp
Classification: Benign for Early-infantile DEE. Last evaluated: 2026-02-03. Review status: criteria provided, single submitter. Criteria: Invitae Variant Classification Sherloc (09022015). Collection method: clinical testing. Allele origin: germline.

Unidad de Genómica Garrahan, Hospital de Pediatría Garrahan
Classification: Benign. Last evaluated: 2024-07-15. Review status: criteria provided, single submitter. Criteria: ACMG Guidelines, 2015. Collection method: clinical testing. Allele origin: germline. Affected: no. Observed: 19 variant alleles.
Comment: This variant is classified as Benign based on local population frequency. This variant was detected in 20% of patients studied in a panel designed for Epileptic and Developmental Encephalopathy and Progressive Myoclonus Epilepsy. Number of patients: 19. Only high quality variants are reported.

Athena Diagnostics
Classification: Benign. Last evaluated: 2018-12-06. Review status: criteria provided, single submitter. Criteria: Athena Diagnostics Criteria. Collection method: clinical testing. Allele origin: germline.

Mayo Clinic Laboratories, Mayo Clinic
Classification: Benign. Last evaluated: 2018-04-02. Review status: criteria provided, single submitter. Criteria: ACMG Guidelines, 2015. Collection method: clinical testing. Allele origin: germline. Observed: 123 variant alleles.

Ambry Genetics
Classification: Benign for Inborn genetic diseases. Last evaluated: 2015-12-31. Review status: criteria provided, single submitter. Criteria: Ambry Variant Classification Scheme 2023. Collection method: clinical testing. Allele origin: germline.

GeneDx
Classification: Benign. Last evaluated: 2015-03-03. Review status: criteria provided, single submitter. Criteria: GeneDx Variant Classification Process June 2021. Collection method: clinical testing. Allele origin: germline. Affected: yes.

Genetic Services Laboratory, University of Chicago
Classification: Benign for AllHighlyPenetrant. Last evaluated: 2013-04-25. Review status: criteria provided, single submitter. Criteria: ACMG Guidelines, 2007. Collection method: clinical testing. Allele origin: germline. Inheritance: Autosomal dominant inheritance.

Breakthrough Genomics
Classification: Benign. Review status: criteria provided, single submitter. Criteria: ACMG Guidelines, 2015. Collection method: not provided. Allele origin: germline. Inheritance: Autosomal dominant inheritance. Affected: yes.

PreventionGenetics, part of Exact Sciences
Classification: Benign. Review status: criteria provided, single submitter. Criteria: ACMG Guidelines, 2015. Collection method: clinical testing. Allele origin: germline.

Genome Diagnostics Laboratory, University Medical Center Utrecht
Classification: Benign. Review status: no assertion criteria provided. Collection method: clinical testing. Allele origin: germline. Affected: yes. Study: VKGL Data-share Consensus. Not counted in ClinVar's aggregate classification.

Joint Genome Diagnostic Labs from Nijmegen and Maastricht, Radboudumc and MUMC+
Classification: Benign. Review status: no assertion criteria provided. Collection method: clinical testing. Allele origin: germline. Affected: yes. Study: VKGL Data-share Consensus. Not counted in ClinVar's aggregate classification.